The following is an entry in ClinVar:

ClinVar aggregate classification (germline): Benign/Likely benign. Review status: criteria provided, multiple submitters, no conflicts (2 of 4 stars). 10 submissions from 10 submitters: Benign (5); Likely benign (3). 2 of the submissions do not count toward it. Last evaluated 2026-02-01.

Conditions:
Familial hypokalemia-hypomagnesemia (GTLMNS). Also called: HYPOMAGNESEMIA-HYPOKALEMIA, PRIMARY RENOTUBULAR, WITH HYPOCALCIURIA; POTASSIUM AND MAGNESIUM DEPLETION; gitelman syndrome. Identifiers: Orphanet 358, MedGen C0268450, MONDO:0009904, OMIM 263800.
SLC12A3-related disorder. Also called: SLC12A3-related condition.

Allele frequency attached by ClinVar (database versions not stated): gnomAD exomes 0.00767; ExAC 0.00848; ESP Exome Variant Server 0.00977; gnomAD 0.01151 and 0.01198; TOPMed 0.01207; 1000 Genomes Project 0.02336; 1000 Genomes Project 30x 0.02405.
gnomAD v4.1: 7,225 of 1,614,130 alleles (0.45%); highest among the groups gnomAD compares: East Asian, 4.4%; 126 homozygotes.

Submissions (10):

Labcorp Genetics (formerly Invitae), Labcorp
Classification: Benign. Last evaluated: 2026-02-01. Review status: criteria provided, single submitter. Criteria: Invitae Variant Classification Sherloc (09022015). Collection method: clinical testing. Allele origin: germline.

Blueprint Genetics
Classification: Likely benign. Last evaluated: 2024-11-27. Review status: criteria provided, single submitter. Criteria: ACMG Guidelines, 2015. Collection method: clinical testing. Allele origin: germline.

Mayo Clinic Laboratories, Mayo Clinic
Classification: Benign. Last evaluated: 2023-04-06. Review status: criteria provided, single submitter. Criteria: ACMG Guidelines, 2015. Collection method: clinical testing. Allele origin: germline. Observed: 3 variant alleles.
Comment: BS1, BS2, BP4, BP7

Genome-Nilou Lab
Classification: Benign for Familial hypokalemia-hypomagnesemia. Last evaluated: 2021-07-15. Review status: criteria provided, single submitter. Criteria: ACMG Guidelines, 2015. Collection method: clinical testing. Allele origin: germline. Affected: no.

GeneDx
Classification: Likely benign. Last evaluated: 2021-02-04. Review status: criteria provided, single submitter. Criteria: GeneDx Variant Classification Process June 2021. Collection method: clinical testing. Allele origin: germline. Affected: yes.

Athena Diagnostics
Classification: Benign. Last evaluated: 2018-09-28. Review status: criteria provided, single submitter. Criteria: Athena Diagnostics Criteria. Collection method: clinical testing. Allele origin: germline.

Illumina Laboratory Services, Illumina
Classification: Benign for Familial hypokalemia-hypomagnesemia. Last evaluated: 2017-04-27. Review status: criteria provided, single submitter. Criteria: ICSL Variant Classification Criteria 13 December 2019. Collection method: clinical testing. Allele origin: germline.
Comment: This variant was observed as part of a predisposition screen in an ostensibly healthy population. A literature search was performed for the gene, cDNA change, and amino acid change (where applicable). Publications were found based on this search. The evidence from the literature, in combination with allele frequency data from public databases where available, was sufficient to rule this variant out of causing disease. Therefore, this variant is classified as benign.

Breakthrough Genomics
Classification: Likely benign. Review status: criteria provided, single submitter. Criteria: ACMG Guidelines, 2015. Collection method: not provided. Allele origin: germline. Inheritance: Autosomal recessive inheritance. Affected: yes.

Natera, Inc.
Classification: Benign for Gitelman syndrome. Last evaluated: 2020-09-16. Review status: no assertion criteria provided. Collection method: clinical testing. Allele origin: germline. Not counted in ClinVar's aggregate classification.

PreventionGenetics, part of Exact Sciences
Classification: Likely benign for SLC12A3-related condition. Last evaluated: 2019-04-05. Review status: no assertion criteria provided. Collection method: clinical testing. Allele origin: germline. Not counted in ClinVar's aggregate classification.
Comment: This variant is classified as likely benign based on ACMG/AMP sequence variant interpretation guidelines (Richards et al. 2015 PMID: 25741868, with internal and published modifications).

Literature cited by the submitters: PubMed 14766743 (cited by Illumina Laboratory Services, Illumina); PubMed 15309683 (cited by Illumina Laboratory Services, Illumina).

NM_001126108.2(SLC12A3):c.3024C>T (p.Ile1008=)

Genes: SLC12A3 (solute carrier family 12 member 3; plus strand), LOC126862361 (CDK7 strongly-dependent group 2 enhancer GRCh37_chr16:56946332-56947531; plus strand). Cytogenetic location: 16q13.
Variant type: single nucleotide variant.
Coding change: c.3024C>T on transcript NM_001126108.2 (MANE Select); coding-DNA position 3024, C replaced by T.
Protein change: p.Ile1008=; no amino-acid change (isoleucine 1008 retained).
Molecular consequence: synonymous variant.
Genome position (GRCh38, 1-based): chr16:56,913,363, C>T. VCF-style: chr16-56913363-C-T. GRCh37 (hg19) VCF-style: chr16-56947275-C-T.
Other names: p.Ile1017=; c.3051C>T, p.Ile1017= (NM_000339.3); c.3048C>T, p.Ile1016= (NM_001126107.2).
Identifiers: ClinVar variation 781206 (VCV000781206.25), dbSNP rs2289113, ClinGen allele CA8070189.